The following is an entry in ClinVar:

NM_006939.4(SOS2):c.2104T>C (p.Phe702Leu)

Gene: SOS2 (SOS Ras/Rho guanine nucleotide exchange factor 2; minus strand). Cytogenetic location: 14q21.3.
Variant type: single nucleotide variant.
Coding change: c.2104T>C on transcript NM_006939.4 (MANE Select); coding-DNA position 2104, T replaced by C.
Protein change: p.Phe702Leu; replaces phenylalanine 702 with leucine.
Molecular consequence: missense variant.
Genome position (GRCh38, 1-based): chr14:50,153,127, A>G on the plus strand (T>C on the coding strand, the complement: SOS2 is on the minus strand). VCF-style: chr14-50153127-A-G. GRCh37 (hg19) VCF-style: chr14-50619845-A-G.
Other names: short protein forms F702L.
Identifiers: ClinVar variation 1518442 (VCV001518442.8), dbSNP rs2139604459, ClinGen allele CA389644210.
Genomic context (GRCh38, chr14:50,153,127, plus strand): 5'-TACCTCTTACACTTGAAATGAAGGATTCTAGTCTTTCAAGCAATTCCAAGTCTCTTTCAA[A>G]GTCATAAAAATGATGTTCAACCCAATGCCGAAATACATTTAAGATCCTGATAAAATGGAA-3'
Protein context (NP_008870.2, residues 692-712): RHWVEHHFYD[Phe702Leu]ERDLELLERL

ClinVar aggregate classification (germline): Uncertain significance (1 of 4 stars; one submission).

Conditions:
Noonan syndrome 9 (NS9). Identifiers: Orphanet 648, MedGen C4225282, MONDO:0014691, OMIM 616559.

Submission:

Labcorp Genetics (formerly Invitae), Labcorp
Classification: Uncertain significance for Noonan syndrome 9. Last evaluated: 2022-07-19. Review status: criteria provided, single submitter. Criteria: Invitae Variant Classification Sherloc (09022015). Collection method: clinical testing. Allele origin: germline.
Comment: This sequence change replaces phenylalanine, which is neutral and non-polar, with leucine, which is neutral and non-polar, at codon 702 of the SOS2 protein (p.Phe702Leu). In summary, the available evidence is currently insufficient to determine the role of this variant in disease. Therefore, it has been classified as a Variant of Uncertain Significance. Algorithms developed to predict the effect of missense changes on protein structure and function are either unavailable or do not agree on the potential impact of this missense change (SIFT: "Tolerated"; PolyPhen-2: "Probably Damaging"; Align-GVGD: "Class C0"). ClinVar contains an entry for this variant (Variation ID: 1518442). This variant has not been reported in the literature in individuals affected with SOS2-related conditions. This variant is not present in population databases (gnomAD no frequency).